The following is an entry in ClinVar:

NM_001793.6(CDH3):c.1573A>C (p.Ser525Arg)

Gene: CDH3 (cadherin 3; plus strand). Cytogenetic location: 16q22.1.
Variant type: single nucleotide variant.
Coding change: c.1573A>C on transcript NM_001793.6 (MANE Select); coding-DNA position 1573, A replaced by C.
Protein change: p.Ser525Arg; replaces serine 525 with arginine.
Molecular consequence: missense variant.
Genome position (GRCh38, 1-based): chr16:68,687,514, A>C. VCF-style: chr16-68687514-A-C. GRCh37 (hg19) VCF-style: chr16-68721417-A-C.
Other names: c.1573A>C, p.Ser525Arg (NM_001317195.3); c.1408A>C, p.Ser470Arg (NM_001317196.2); short protein forms S470R, S525R.
Identifiers: ClinVar variation 2839989 (VCV002839989.3), dbSNP rs1961446058, ClinGen allele CA396454579.

ClinVar aggregate classification (germline): Uncertain significance (1 of 4 stars; one submission).

Allele frequency attached by ClinVar (database versions not stated): gnomAD 0.00001.
gnomAD v4.1: 1 of 1,613,538 alleles (0.000062%); highest among the groups gnomAD compares: African/African-American, 0.0013%; no homozygotes.

Submission:

Labcorp Genetics (formerly Invitae), Labcorp
Classification: Uncertain significance. Last evaluated: 2025-09-03. Review status: criteria provided, single submitter. Criteria: Invitae Variant Classification Sherloc (09022015). Collection method: clinical testing. Allele origin: germline.
Comment: This sequence change replaces serine, which is neutral and polar, with arginine, which is basic and polar, at codon 525 of the CDH3 protein (p.Ser525Arg). This variant is not present in population databases (gnomAD no frequency). This variant has not been reported in the literature in individuals affected with CDH3-related conditions. ClinVar contains an entry for this variant (Variation ID: 2839989). Invitae Evidence Modeling of protein sequence and biophysical properties (such as structural, functional, and spatial information, amino acid conservation, physicochemical variation, residue mobility, and thermodynamic stability) indicates that this missense variant is not expected to disrupt CDH3 protein function with a negative predictive value of 80%. In summary, the available evidence is currently insufficient to determine the role of this variant in disease. Therefore, it has been classified as a Variant of Uncertain Significance.